The following is an entry in ClinVar:

ClinVar aggregate classification (germline): Likely benign (1 of 4 stars; one submission).

Conditions:
Malignant hyperthermia, susceptibility to, 1 (MHS1). Also called: Anesthesia related hyperthermia; Malignant hyperpyrexia; Fulminating hyperpyrexia; Pharmacogenic myopathy; RYR1-Related Malignant Hyperthermia Susceptibility; Malignant hyperthermia suceptibility 1. Identifiers: Orphanet 423, MedGen C2930980, MONDO:0007783, OMIM 145600.

Submission:

All of Us Research Program, National Institutes of Health
Classification: Likely benign for Malignant hyperthermia, susceptibility to, 1. Last evaluated: 2023-08-28. Review status: criteria provided, single submitter. Criteria: ACMG Guidelines, 2015. Collection method: clinical testing. Allele origin: germline. Inheritance: Autosomal dominant inheritance. Observed: 1 variant allele, 1 heterozygote.
Comment: This study involves interpretation of variants in research participants for the purpose of population health screening. Participant phenotype was not available at the time of variant classification. Additional details can be found in publication PMID: 35346344, PMCID: PMC8962531

NM_000540.3(RYR1):c.13633C>T (p.Leu4545=)

Gene: RYR1 (ryanodine receptor 1; plus strand). Cytogenetic location: 19q13.2.
Variant type: single nucleotide variant.
Coding change: c.13633C>T on transcript NM_000540.3 (MANE Select); coding-DNA position 13633, C replaced by T.
Protein change: p.Leu4545=; no amino-acid change (leucine 4545 retained).
Molecular consequence: synonymous variant.
Genome position (GRCh38, 1-based): chr19:38,567,891, C>T. VCF-style: chr19-38567891-C-T. GRCh37 (hg19) VCF-style: chr19-39058531-C-T.
Other names: c.13618C>T, p.Leu4540= (NM_001042723.2).
Identifiers: ClinVar variation 3073191 (VCV003073191.1), dbSNP rs1973519477, ClinGen allele CA507244388.